The following is an entry in ClinVar:

ClinVar aggregate classification (germline): Pathogenic (1 of 4 stars; one submission).

Allele frequency attached by ClinVar (database versions not stated): gnomAD exomes below 0.00001.
gnomAD v4.1: 2 of 1,610,576 alleles (0.00012%); highest among the groups gnomAD compares: African/African-American, 0.0013%; no homozygotes.

Submission:

Labcorp Genetics (formerly Invitae), Labcorp
Classification: Pathogenic. Last evaluated: 2022-04-05. Review status: criteria provided, single submitter. Criteria: Invitae Variant Classification Sherloc (09022015). Collection method: clinical testing. Allele origin: germline.
Comment: Algorithms developed to predict the effect of missense changes on protein structure and function are either unavailable or do not agree on the potential impact of this missense change (SIFT: "Deleterious"; PolyPhen-2: "Probably Damaging"; Align-GVGD: "Class C15"). ClinVar contains an entry for this variant (Variation ID: 1073633). This missense change has been observed in individual(s) with methylmalonic aciduria (PMID: 19588269, 27167370). In at least one individual the data is consistent with being in trans (on the opposite chromosome) from a pathogenic variant. This variant is not present in population databases (gnomAD no frequency). This sequence change replaces glycine, which is neutral and non-polar, with arginine, which is basic and polar, at codon 161 of the MUT protein (p.Gly161Arg). This variant disrupts the p.Gly161 amino acid residue in MUT. Other variant(s) that disrupt this residue have been observed in individuals with MUT-related conditions (PMID: 28101778), which suggests that this may be a clinically significant amino acid residue. For these reasons, this variant has been classified as Pathogenic.

Literature cited by the submitters: PubMed 19588269; PubMed 27167370; PubMed 28101778.

NM_000255.4(MMUT):c.481G>A (p.Gly161Arg)

Gene: MMUT (methylmalonyl-CoA mutase; minus strand). Cytogenetic location: 6p12.3.
Variant type: single nucleotide variant.
Coding change: c.481G>A on transcript NM_000255.4 (MANE Select); coding-DNA position 481, G replaced by A.
Protein change: p.Gly161Arg; replaces glycine 161 with arginine.
Molecular consequence: missense variant.
Genome position (GRCh38, 1-based): chr6:49,457,963, C>T on the plus strand (G>A on the coding strand, the complement: MMUT is on the minus strand). VCF-style: chr6-49457963-C-T. GRCh37 (hg19) VCF-style: chr6-49425676-C-T.
Other names: short protein forms G161R.
Identifiers: ClinVar variation 1073633 (VCV001073633.9), dbSNP rs2127420039, ClinGen allele CA364404639.